The following is an entry in ClinVar:

NM_004341.5(CAD):c.6559C>T (p.Arg2187Cys)

Genes: CAD (carbamoyl-phosphate synthetase 2, aspartate transcarbamylase, and dihydroorotase; plus strand), LOC126806172 (CDK7 strongly-dependent group 2 enhancer GRCh37_chr2:27465505-27466704; plus strand). Cytogenetic location: 2p23.3.
Variant type: single nucleotide variant.
Coding change: c.6559C>T on transcript NM_004341.5 (MANE Select); coding-DNA position 6559, C replaced by T.
Protein change: p.Arg2187Cys; replaces arginine 2187 with cysteine.
Molecular consequence: missense variant.
Genome position (GRCh38, 1-based): chr2:27,243,276, C>T. VCF-style: chr2-27243276-C-T. GRCh37 (hg19) VCF-style: chr2-27466144-C-T.
Other names: c.6370C>T, p.Arg2124Cys (NM_001306079.2); short protein forms R2124C, R2187C.
Identifiers: ClinVar variation 3718736 (VCV003718736.2).

ClinVar aggregate classification (germline): Uncertain significance (1 of 4 stars; one submission).

Submission:

Labcorp Genetics (formerly Invitae), Labcorp
Classification: Uncertain significance. Last evaluated: 2025-01-08. Review status: criteria provided, single submitter. Criteria: Invitae Variant Classification Sherloc (09022015). Collection method: clinical testing. Allele origin: germline.
Comment: This sequence change replaces arginine, which is basic and polar, with cysteine, which is neutral and slightly polar, at codon 2187 of the CAD protein (p.Arg2187Cys). This variant is present in population databases (rs553484655, gnomAD 0.006%). This variant has not been reported in the literature in individuals affected with CAD-related conditions. An algorithm developed to predict the effect of missense changes on protein structure and function (PolyPhen-2) suggests that this variant is likely to be disruptive. In summary, the available evidence is currently insufficient to determine the role of this variant in disease. Therefore, it has been classified as a Variant of Uncertain Significance.